The following is an entry in ClinVar:

ClinVar aggregate classification (germline): Uncertain significance (1 of 4 stars; one submission).

Conditions:
Hereditary spastic paraplegia 50 (SPG50). Also called: Spastic paraplegia 50, autosomal recessive. Identifiers: Orphanet 280763, MedGen C2752008, MONDO:0013048, OMIM 612936.

Allele frequency attached by ClinVar (database versions not stated): gnomAD exomes below 0.00001.

Submission:

Labcorp Genetics (formerly Invitae), Labcorp
Classification: Uncertain significance for Hereditary spastic paraplegia 50. Last evaluated: 2023-05-28. Review status: criteria provided, single submitter. Criteria: Invitae Variant Classification Sherloc (09022015). Collection method: clinical testing. Allele origin: germline.
Comment: This sequence change replaces valine, which is neutral and non-polar, with alanine, which is neutral and non-polar, at codon 236 of the AP4M1 protein (p.Val236Ala). In summary, the available evidence is currently insufficient to determine the role of this variant in disease. Therefore, it has been classified as a Variant of Uncertain Significance. Advanced modeling of protein sequence and biophysical properties (such as structural, functional, and spatial information, amino acid conservation, physicochemical variation, residue mobility, and thermodynamic stability) has been performed at Invitae for this missense variant, however the output from this modeling did not meet the statistical confidence thresholds required to predict the impact of this variant on AP4M1 protein function. This variant has not been reported in the literature in individuals affected with AP4M1-related conditions. This variant is not present in population databases (gnomAD no frequency).

NM_004722.4(AP4M1):c.707T>C (p.Val236Ala)

Gene: AP4M1 (adaptor related protein complex 4 subunit mu 1; plus strand). Cytogenetic location: 7q22.1.
Variant type: single nucleotide variant.
Coding change: c.707T>C on transcript NM_004722.4 (MANE Select); coding-DNA position 707, T replaced by C.
Protein change: p.Val236Ala; replaces valine 236 with alanine.
Molecular consequence: missense variant.
Genome position (GRCh38, 1-based): chr7:100,105,078, T>C. VCF-style: chr7-100105078-T-C. GRCh37 (hg19) VCF-style: chr7-99702701-T-C.
Other names: c.728T>C, p.Val243Ala (NM_001363671.2); short protein forms V243A, V236A.
Identifiers: ClinVar variation 2873629 (VCV002873629.3), dbSNP rs2546957393, ClinGen allele CA368470839.